The following is an entry in ClinVar:

ClinVar aggregate classification (germline): Uncertain significance (1 of 4 stars; one submission).

Conditions:
DOCK2 deficiency. Also called: Immunodeficiency 40. Identifiers: Orphanet 447737, MedGen C4225328, MONDO:0014637, OMIM 616433.

Allele frequency attached by ClinVar (database versions not stated): gnomAD 0.00001; gnomAD exomes 0.00001; TOPMed 0.00001.

Submission:

Labcorp Genetics (formerly Invitae), Labcorp
Classification: Uncertain significance for DOCK2 deficiency. Last evaluated: 2022-07-06. Review status: criteria provided, single submitter. Criteria: Invitae Variant Classification Sherloc (09022015). Collection method: clinical testing. Allele origin: germline.
Comment: This sequence change replaces methionine, which is neutral and non-polar, with valine, which is neutral and non-polar, at codon 1636 of the DOCK2 protein (p.Met1636Val). This variant is present in population databases (no rsID available, gnomAD 0.0009%). This variant has not been reported in the literature in individuals affected with DOCK2-related conditions. ClinVar contains an entry for this variant (Variation ID: 1000648). Algorithms developed to predict the effect of missense changes on protein structure and function (SIFT, PolyPhen-2, Align-GVGD) all suggest that this variant is likely to be tolerated. Algorithms developed to predict the effect of sequence changes on RNA splicing suggest that this variant may create or strengthen a splice site. In summary, the available evidence is currently insufficient to determine the role of this variant in disease. Therefore, it has been classified as a Variant of Uncertain Significance.

NM_004946.3(DOCK2):c.4906A>G (p.Met1636Val)

Gene: DOCK2 (dedicator of cytokinesis 2; plus strand). Cytogenetic location: 5q35.1.
Variant type: single nucleotide variant.
Coding change: c.4906A>G on transcript NM_004946.3 (MANE Select); coding-DNA position 4906, A replaced by G.
Protein change: p.Met1636Val; replaces methionine 1636 with valine.
Molecular consequence: missense variant. On other transcripts: non-coding transcript variant (1).
Genome position (GRCh38, 1-based): chr5:170,077,749, A>G. VCF-style: chr5-170077749-A-G. GRCh37 (hg19) VCF-style: chr5-169504753-A-G.
Other names: short protein forms M1636V.
Identifiers: ClinVar variation 1000648 (VCV001000648.6), dbSNP rs918082283, ClinGen allele CA132025941.